The following is an entry in ClinVar:

NM_020975.6(RET):c.2846del (p.Gly949fs)

Gene: RET (ret proto-oncogene; plus strand). Cytogenetic location: 10q11.21.
Variant type: Deletion.
Coding change: c.2846del on transcript NM_020975.6 (MANE Select); coding-DNA position 2846, one base deleted (G; older notation c.2846delG).
Protein change: p.Gly949fs; shifts the reading frame from glycine 949.
Molecular consequence: frameshift variant.
Genome position (GRCh38, 1-based): chr10:43,123,715, G deleted; the last of 5 consecutive G bases (chr10:43,123,711-43,123,715); deleting any one gives the same sequence. VCF-style (leftmost placement, unchanged base first): chr10-43123710-AG-A. GRCh37 (hg19) VCF-style: chr10-43619158-AG-A.
Other names: c.2846delG, p.Gly949Glufs (NM_000323.2, NM_001406743.1, NM_001406744.1 and 4 more transcripts); c.2084delG, p.Gly695Glufs (NM_001355216.2); c.2717delG, p.Gly906Glufs (NM_001406761.1, NM_001406762.1, NM_001406764.1); c.2711delG, p.Gly904Glufs (NM_001406763.1, NM_001406765.1); c.2558delG, p.Gly853Glufs (NM_001406766.1, NM_001406767.1, NM_001406770.1); c.2582delG, p.Gly861Glufs (NM_001406768.1); c.2450delG, p.Gly817Glufs (NM_001406769.1, NM_001406772.1); c.2408delG, p.Gly803Glufs (NM_001406771.1, NM_001406773.1); and 10 more; short protein forms G949fs, G695fs.
Identifiers: ClinVar variation 201137 (VCV000201137.4), dbSNP rs794728689, ClinGen allele CA009118.
Genomic context (GRCh38, chr10:43,123,710, plus strand): 5'-TGGTCCTTTCACTCTCTGCAGATGGTCTTTTGGTGTCCTGCTGTGGGAGATCGTGACCCT[AG>A]GGGGAAACCCCTATCCTGGGATTCCTCCTGAGCGGCTCTTCAACCTTCTGAAGACCGGCC-3'

ClinVar aggregate classification (germline): Pathogenic (1 of 4 stars; one submission).

Submission:

GeneDx
Classification: Pathogenic. Last evaluated: 2017-01-17. Review status: criteria provided, single submitter. Criteria: GeneDx Variant Classification (06012015). Collection method: clinical testing. Allele origin: germline. Affected: yes.
Comment: This oathogenic variant is denoted c.2846delG at the cDNA level or at the protein level as p.Gly949GlufsX16. The normal sequence with the base that is deleted in braces is: AGGGG{G}AAAC. The c.2846delG variant in the RET gene causes a frameshift starting with codon Glycine 949, changes this amino acid to a Glutamic Acid residue and creates a premature Stop codon at position 16 of the new reading frame, denoted p.Gly949GlufsX16. This variant is predicted to cause loss of normal protein function either through protein truncation or nonsense-mediated mRNA decay. Although this variant has not been previously reported to our knowledge, its presence is consistent with a diagnosis of Hirschsprung disease.